The following is an entry in ClinVar:

NM_198578.4(LRRK2):c.7091A>G (p.Tyr2364Cys)

Gene: LRRK2 (leucine rich repeat kinase 2; plus strand). Cytogenetic location: 12q12.
Variant type: single nucleotide variant.
Coding change: c.7091A>G on transcript NM_198578.4 (MANE Select); coding-DNA position 7091, A replaced by G.
Protein change: p.Tyr2364Cys; replaces tyrosine 2364 with cysteine.
Molecular consequence: missense variant.
Genome position (GRCh38, 1-based): chr12:40,363,464, A>G. VCF-style: chr12-40363464-A-G. GRCh37 (hg19) VCF-style: chr12-40757266-A-G.
Other names: short protein forms Y2364C.
Identifiers: ClinVar variation 3292032 (VCV003292032.1).

ClinVar aggregate classification (germline): Uncertain significance (1 of 4 stars; one submission).

Conditions:
Inborn genetic diseases. Identifiers: MedGen C0950123, MeSH D030342.

gnomAD v4.1: 2 of 1,612,176 alleles (0.00012%); highest among the groups gnomAD compares: Non-Finnish European, 0.00017%; no homozygotes.

Submission:

Ambry Genetics
Classification: Uncertain significance for Inborn genetic diseases. Last evaluated: 2024-05-24. Review status: criteria provided, single submitter. Criteria: Ambry Variant Classification Scheme 2023. Collection method: clinical testing. Allele origin: germline.
Comment: The p.Y2364C variant (also known as c.7091A>G), located in coding exon 48 of the LRRK2 gene, results from an A to G substitution at nucleotide position 7091. The tyrosine at codon 2364 is replaced by cysteine, an amino acid with highly dissimilar properties. This amino acid position is conserved. In addition, the in silico prediction for this alteration is inconclusive. Based on the available evidence, the clinical significance of this variant remains unclear.